The following is an entry in ClinVar:

ClinVar aggregate classification (germline): Uncertain significance (1 of 4 stars; one submission).

Allele frequency attached by ClinVar (database versions not stated): gnomAD exomes below 0.00001.
gnomAD v4.1: 3 of 1,614,004 alleles (0.00019%); highest among the groups gnomAD compares: Non-Finnish European, 0.00025%; no homozygotes.

Submission:

GeneDx
Classification: Uncertain significance. Last evaluated: 2016-12-09. Review status: criteria provided, single submitter. Criteria: GeneDx Variant Classification (06012015). Collection method: clinical testing. Allele origin: germline. Affected: yes.
Comment: no synopsis available

NM_015386.3(COG4):c.2034C>A (p.Ser678Arg)

Gene: COG4 (component of oligomeric golgi complex 4; minus strand). Cytogenetic location: 16q22.1.
Variant type: single nucleotide variant.
Coding change: c.2034C>A on transcript NM_015386.3 (MANE Select); coding-DNA position 2034, C replaced by A.
Protein change: p.Ser678Arg; replaces serine 678 with arginine.
Molecular consequence: missense variant. On other transcripts: non-coding transcript variant (1).
Genome position (GRCh38, 1-based): chr16:70,481,836, G>T on the plus strand (C>A on the coding strand, the complement: COG4 is on the minus strand). VCF-style: chr16-70481836-G-T. GRCh37 (hg19) VCF-style: chr16-70515739-G-T.
Other names: c.1959C>A, p.Ser653Arg (NM_001195139.2); c.1608C>A, p.Ser536Arg (NM_001365426.1); short protein forms S678R, S536R, S653R.
Identifiers: ClinVar variation 373675 (VCV000373675.1), dbSNP rs1057518545, ClinGen allele CA16042953.